The following is an entry in ClinVar:

NM_015978.3(TNNI3K):c.431C>T (p.Ala144Val)

Genes: FPGT-TNNI3K (FPGT-TNNI3K readthrough; plus strand), TNNI3K (TNNI3 interacting kinase; plus strand). Cytogenetic location: 1p31.1.
Variant type: single nucleotide variant.
Coding change: c.431C>T on transcript NM_015978.3 (MANE Select); coding-DNA position 431, C replaced by T.
Protein change: p.Ala144Val; replaces alanine 144 with valine.
Molecular consequence: missense variant.
Genome position (GRCh38, 1-based): chr1:74,271,695, C>T. VCF-style: chr1-74271695-C-T. GRCh37 (hg19) VCF-style: chr1-74737379-C-T.
Other names: c.734C>T, p.Ala245Val (NM_001112808.3, NM_001199327.2); c.431C>T (NM_015978.2); short protein forms A144V, A245V.
Identifiers: ClinVar variation 1482099 (VCV001482099.7), dbSNP rs201468288, ClinGen allele CA24501336.
Genomic context (GRCh38, chr1:74,271,695, plus strand): 5'-GAGCTGATATACAGCAGGTTGGATACGGTGGCCTCACTGCCCTCCATATTGCTACAATAG[C>T]TGGCCACCTAGAGGTAAGTCATGCCTTTGGCACCTGTGAAAACAAAGGTTATTTACCTTT-3'
Protein context (NP_057062.1, residues 134-154): GLTALHIATI[Ala144Val]GHLEAADVLL

ClinVar aggregate classification (germline): Uncertain significance. Review status: criteria provided, multiple submitters, no conflicts (2 of 4 stars). 2 submissions from 2 submitters: Uncertain significance (2). Last evaluated 2025-06-22.

Conditions:
Inborn genetic diseases. Identifiers: MedGen C0950123, MeSH D030342.

Allele frequency attached by ClinVar (database versions not stated): gnomAD 0.00001; gnomAD exomes 0.00001 and 0.00002; TOPMed 0.00001.
gnomAD v4.1: 26 of 1,606,870 alleles (0.0016%); highest among the groups gnomAD compares: Non-Finnish European, 0.0021%; no homozygotes.

Submissions (2):

Ambry Genetics
Classification: Uncertain significance for Inborn genetic diseases. Last evaluated: 2025-06-22. Review status: criteria provided, single submitter. Criteria: Ambry Variant Classification Scheme 2023. Collection method: clinical testing. Allele origin: germline.

Labcorp Genetics (formerly Invitae), Labcorp
Classification: Uncertain significance. Last evaluated: 2023-06-23. Review status: criteria provided, single submitter. Criteria: Invitae Variant Classification Sherloc (09022015). Collection method: clinical testing. Allele origin: germline.
Comment: This sequence change replaces alanine, which is neutral and non-polar, with valine, which is neutral and non-polar, at codon 144 of the TNNI3K protein (p.Ala144Val). This variant is present in population databases (rs201468288, gnomAD 0.003%). This variant has not been reported in the literature in individuals affected with TNNI3K-related conditions. ClinVar contains an entry for this variant (Variation ID: 1482099). Advanced modeling of protein sequence and biophysical properties (such as structural, functional, and spatial information, amino acid conservation, physicochemical variation, residue mobility, and thermodynamic stability) performed at Invitae indicates that this missense variant is not expected to disrupt TNNI3K protein function. In summary, the available evidence is currently insufficient to determine the role of this variant in disease. Therefore, it has been classified as a Variant of Uncertain Significance.